The following continues an entry in ClinVar:

NM_007294.4(BRCA1):c.5363G>T (p.Gly1788Val)

Gene: BRCA1. ClinVar aggregate classification (germline): Pathogenic. Pathogenic (1).

Submissions 8 to 14 of 14:

Women's Health and Genetics/Laboratory Corporation of America, LabCorp
Classification: Pathogenic for Hereditary breast and ovarian cancer syndrome. Last evaluated: 2020-11-02. Review status: criteria provided, single submitter. Criteria: LabCorp Variant Classification Summary - May 2015. Collection method: clinical testing. Allele origin: germline. Not counted in ClinVar's aggregate classification.
Comment: Variant summary: BRCA1 c.5363G>T (p.Gly1788Val) results in a non-conservative amino acid change located in the BRCT domain (IPR001357) of the encoded protein sequence. Four of five in-silico tools predict a damaging effect of the variant on protein function. The variant allele was found at a frequency of 4e-06 in 252442 control chromosomes. c.5363G>T has been reported in the literature in multiple individuals affected with Hereditary Breast And Ovarian Cancer Syndrome (example, Rebbeck_2018). These data indicate that the variant is very likely to be associated with disease. Several publications report experimental evidence evaluating an impact on protein function. The most pronounced variant effect results in loss of BRCA1 protein structural stability, peptide binding specificity, and transcriptional activity (example, Williams_2003, Phelan_2005, Lee_2010, Rowling_2010, Coyne_2004). Seven clinical diagnostic laboratories and one expert panel (ENIGMA) have submitted clinical-significance assessments for this variant to ClinVar after 2014 without evidence for independent evaluation. All submitters classified the variant as pathogenic. Based on the evidence outlined above, the variant was classified as pathogenic.

ARUP Laboratories, Molecular Genetics and Genomics, ARUP Laboratories
Classification: Pathogenic. Last evaluated: 2018-10-26. Review status: criteria provided, single submitter. Criteria: ARUP Molecular Germline Variant Investigation Process. Collection method: clinical testing. Allele origin: germline. Not counted in ClinVar's aggregate classification.
Comment: The BRCA1 c.5363G>T; p.Gly1788Val variant (rs80357069) is reported in the literature in multiple individuals affected with breast or ovarian cancer (Berchuck 1998, Chen 2009, Easton 2007, Kwong 2015, Lu 2015, Sun 2017, Zhang 2012). This variant is reported as pathogenic by multiple laboratories in ClinVar (Variation ID: 37660), and is only observed on one allele in the Genome Aggregation Database, indicating it is not a common polymorphism. The glycine at codon 1788 is highly conserved, and computational analyses (SIFT, PolyPhen-2) predict that this variant is deleterious. Functional analyses of the variant protein show protease sensitivity, impaired protein folding, and reduced stability, homologous recombination activity, and transcriptional activity (Lee 2010, Lu 2015, Phelan 2005, Williams 2003). Based on available information, the p.Gly1788Val variant is considered to be pathogenic. References: Berchuck A et al. Frequency of germline and somatic BRCA1 mutations in ovarian cancer. Clin Cancer Res. 1998 Oct;4(10):2433-7. Chen W et al. BRCA1 germline mutations and tumor characteristics in Chinese women with familial or early-onset breast cancer. Breast Cancer Res Treat. 2009 Sep;117(1):55-60. Easton DF et al. A systematic genetic assessment of 1,433 sequence variants of unknown clinical significance in the BRCA1 and BRCA2 breast cancer-predisposition genes. Am J Hum Genet. 2007 Nov;81(5):873-83. Kwong A et al. Comprehensive spectrum of BRCA1 and BRCA2 deleterious mutations in breast cancer in Asian countries. J Med Genet. 2016 Jan;53(1):15-23. Lee MS et al. Comprehensive analysis of missense variations in the BRCT domain of BRCA1 by structural and functional assays. Cancer Res. 2010 Jun 15;70(12):4880-90. Lu C et al. Patterns and functional implications of rare germline variants across 12 cancer types. Nat Commun. 2015 Dec 22;6:10086. Phelan CM et al. Classification of BRCA1 missense variants of unknown clinical significance. J Med Genet. 2005 Feb;42(2):138-46. Sun J et al. Germline Mutations in Cancer Susceptibility Genes in a Large Series of Unselected Breast Cancer Patients. Clin Cancer Res. 2017 Oct 15;23(20):6113-6119. Williams RS et al. Detection of protein folding defects caused by BRCA1-BRCT truncation and missense mutations. J Biol Chem. 2003 Dec 26;278(52):53007-16. Zhang J et al. Prevalence and characterization of BRCA1 and BRCA2 germline mutations in Chinese women with familial breast cancer. Breast Cancer Res Treat. 2012 Apr;132(2):421-8.

Consortium of Investigators of Modifiers of BRCA1/2 (CIMBA), c/o University of Cambridge
Classification: Pathogenic for Breast-ovarian cancer, familial, susceptibility to, 1. Last evaluated: 2015-10-02. Review status: criteria provided, single submitter. Criteria: CIMBA Mutation Classification guidelines May 2016. Collection method: clinical testing. Allele origin: germline. Not counted in ClinVar's aggregate classification.

Counsyl
Classification: Pathogenic for Breast-ovarian cancer, familial, susceptibility to, 1. Last evaluated: 2017-11-01. Review status: no assertion criteria provided. Collection method: clinical testing. Allele origin: unknown. Not counted in ClinVar's aggregate classification.

Sharing Clinical Reports Project (SCRP)
Classification: Pathogenic for Breast-ovarian cancer, familial 1. Last evaluated: 2011-09-07. Review status: no assertion criteria provided. Collection method: clinical testing. Allele origin: germline. Not counted in ClinVar's aggregate classification.

Breast Cancer Information Core (BIC) (BRCA1)
Classification: Pathogenic for Breast-ovarian cancer, familial 1. Last evaluated: 2002-05-29. Review status: no assertion criteria provided. Collection method: clinical testing. Allele origin: germline. Affected: yes. Observed: 17 variant alleles. Not counted in ClinVar's aggregate classification.

Brotman Baty Institute, University of Washington
No classification provided (evidence only). Condition: Breast-ovarian cancer, familial 1. Review status: no classification provided. Collection method: in vitro. Allele origin: not applicable. Functional consequence: functionally_abnormal. Not counted in ClinVar's aggregate classification.
ClinVar note: "not provided" was previously submitted as the classification for the variant. However, the classification appeared to be based only on an observation of functional data so it was converted to no classification on 2025-07-30.

Literature cited by the submitters: PubMed 21990134 (cited by 4 submitters); PubMed 9796975 (cited by 4 submitters); PubMed 16267036 (cited by Labcorp Genetics (formerly Invitae), Labcorp and Women's Health and Genetics/Laboratory Corporation of America, LabCorp); PubMed 18512148 (cited by 4 submitters); PubMed 21614564 (cited by 4 submitters); PubMed 26689913 (cited by 5 submitters); PubMed 30209399 (cited by 3 submitters); PubMed 14534301 (cited by 3 submitters); PubMed 15689452 (cited by 3 submitters); PubMed 20516115 (cited by 5 submitters); PubMed 28724667 (cited by Color Diagnostics, LLC DBA Color Health and Quest Diagnostics Nichols Institute San Juan Capistrano); PubMed 30219179 (cited by Color Diagnostics, LLC DBA Color Health); PubMed 31853058 (cited by Color Diagnostics, LLC DBA Color Health); PubMed 32546644 (cited by Color Diagnostics, LLC DBA Color Health); PubMed 26787237 (cited by Ambry Genetics); PubMed 17924331 (cited by 3 submitters); PubMed 20378548 (cited by Quest Diagnostics Nichols Institute San Juan Capistrano and Women's Health and Genetics/Laboratory Corporation of America, LabCorp); PubMed 15235020 (cited by Quest Diagnostics Nichols Institute San Juan Capistrano and Women's Health and Genetics/Laboratory Corporation of America, LabCorp); PubMed 15172985 (cited by Quest Diagnostics Nichols Institute San Juan Capistrano and Women's Health and Genetics/Laboratory Corporation of America, LabCorp); PubMed 27272900 (cited by Quest Diagnostics Nichols Institute San Juan Capistrano); PubMed 23318652 (cited by Quest Diagnostics Nichols Institute San Juan Capistrano and Women's Health and Genetics/Laboratory Corporation of America, LabCorp); PubMed 21447777 (cited by Quest Diagnostics Nichols Institute San Juan Capistrano); PubMed 18992264 (cited by Quest Diagnostics Nichols Institute San Juan Capistrano and Women's Health and Genetics/Laboratory Corporation of America, LabCorp); PubMed 18418466 (cited by Quest Diagnostics Nichols Institute San Juan Capistrano and Women's Health and Genetics/Laboratory Corporation of America, LabCorp); PubMed 17308087 (cited by Quest Diagnostics Nichols Institute San Juan Capistrano and Women's Health and Genetics/Laboratory Corporation of America, LabCorp); PubMed 17305420 (cited by Quest Diagnostics Nichols Institute San Juan Capistrano); PubMed 15004537 (cited by Quest Diagnostics Nichols Institute San Juan Capistrano and Women's Health and Genetics/Laboratory Corporation of America, LabCorp); PubMed 12354934 (cited by Quest Diagnostics Nichols Institute San Juan Capistrano and Women's Health and Genetics/Laboratory Corporation of America, LabCorp); PubMed 29446198 (cited by Quest Diagnostics Nichols Institute San Juan Capistrano and Women's Health and Genetics/Laboratory Corporation of America, LabCorp).